The following is an entry in ClinVar:

NM_032444.4(SLX4):c.1352T>A (p.Ile451Lys)

Gene: SLX4 (SLX4 structure-specific endonuclease subunit; minus strand). Cytogenetic location: 16p13.3.
Variant type: single nucleotide variant.
Coding change: c.1352T>A on transcript NM_032444.4 (MANE Select); coding-DNA position 1352, T replaced by A.
Protein change: p.Ile451Lys; replaces isoleucine 451 with lysine.
Molecular consequence: missense variant.
Genome position (GRCh38, 1-based): chr16:3,597,811, A>T on the plus strand (T>A on the coding strand, the complement: SLX4 is on the minus strand). VCF-style: chr16-3597811-A-T. GRCh37 (hg19) VCF-style: chr16-3647812-A-T.
Other names: short protein forms I451K.
Identifiers: ClinVar variation 1488629 (VCV001488629.6), dbSNP rs1380174760, ClinGen allele CA394529262.

ClinVar aggregate classification (germline): Uncertain significance (1 of 4 stars; one submission).

Conditions:
Fanconi anemia (FA). Also called: Fanconi's anemia. Identifiers: Orphanet 84, MedGen C0015625, MeSH D005199, MONDO:0019391.

Allele frequency attached by ClinVar (database versions not stated): gnomAD exomes below 0.00001.

Submission:

Labcorp Genetics (formerly Invitae), Labcorp
Classification: Uncertain significance for Fanconi anemia. Last evaluated: 2021-08-17. Review status: criteria provided, single submitter. Criteria: Invitae Variant Classification Sherloc (09022015). Collection method: clinical testing. Allele origin: germline.
Comment: In summary, the available evidence is currently insufficient to determine the role of this variant in disease. Therefore, it has been classified as a Variant of Uncertain Significance. Algorithms developed to predict the effect of missense changes on protein structure and function (SIFT, PolyPhen-2, Align-GVGD) all suggest that this variant is likely to be tolerated. This variant has not been reported in the literature in individuals affected with SLX4-related conditions. This variant is not present in population databases (ExAC no frequency). This sequence change replaces isoleucine with lysine at codon 451 of the SLX4 protein (p.Ile451Lys). The isoleucine residue is weakly conserved and there is a moderate physicochemical difference between isoleucine and lysine.